The following is an entry in ClinVar:

NM_002524.5(NRAS):c.112-1_113dup

Gene: NRAS (NRAS proto-oncogene, GTPase; minus strand). Cytogenetic location: 1p13.2.
Variant type: Duplication.
Coding change: c.112-1_113dup on transcript NM_002524.5 (MANE Select); the canonical splice acceptor site of the intron before coding-DNA position 112 through coding-DNA position 113, 3 bases duplicated (GGA; older notation c.112-1_113dupGGA).
Molecular consequence: splice acceptor variant.
Genome position (GRCh38, 1-based): chr1:114,713,977-114,713,979, TCC duplicated on the plus strand (GGA on the coding strand, the reverse complement: NRAS is on the minus strand); duplicating any 3 consecutive bases within chr1:114,713,977-114,713,980 gives the same sequence; the c. name uses the placement nearest the transcript's 3' end. VCF-style (leftmost placement, unchanged base first): chr1-114713976-A-ATCC. GRCh37 (hg19) VCF-style: chr1-115256597-A-ATCC.
Other names: c.112-1_113dup (LRG_92t1); c.112-1_113dupGGA (NM_002524.3).
Identifiers: ClinVar variation 40472 (VCV000040472.2), dbSNP rs730880967, ClinGen allele CA297029.
Genomic context (GRCh38, chr1:114,713,976, plus strand): 5'-TGTATCCAGTATGTCCAACAAACAGGTTTCACCATCTATAACCACTTGTTTTCTGTAAGA[A>ATCC]TCCTGGGGGTGTGGAGGGTAAGGGGGCAGGGAGGGAGGGAAGTTCAATTTTTATTAAAAA-3'

ClinVar aggregate classification (germline): Pathogenic (1 of 4 stars; one submission).

Conditions:
RASopathy. Also called: rasopathies; Noonan spectrum disorder. Identifiers: Orphanet 536391, MedGen C5555857, MONDO:0021060.

Submission:

GeneDx
Classification: Pathogenic for Rasopathy. Last evaluated: 2012-11-29. Review status: criteria provided, single submitter. Criteria: GeneDx Variant Classification (06012015). Collection method: clinical testing. Allele origin: germline. Affected: yes.
Comment: This mutation is denoted c.112-1_113dupGGA at the cDNA level or at the protein level as p.Glu37dup (E37dup) in exon 3 of the NRAS gene (NM_002524.3). This is a duplication of three nucleotides at the boundary of intron 2 and exon 3 in the NRAS gene. Using lowercase letters to denote intronic sequence and uppercase letters to denote exonic sequence, the normal sequence with the bases that are inserted in braces is: agGA{insGGA}TTCT. The c.112-1_113dupGGA mutation likely associated with a Noonan spectrum disorder was identified in the NRAS gene. It has not been published as a mutation, nor has it been reported as a benign polymorphism to our knowledge. However, a similar type of mutation (p.E37dup) has been observed as a de novo mutation in two unrelated patients with Costello syndrome in the HRAS gene, a closely related RAS signal transduction protein in the RAS/MAPK pathway (Gremer et al., 2010). In vitro studies of p.E37dup in HRAS have been shown to alter HRAS function and the activity of downstream pathways (Gremer et al., 2010). The c.112-1_113dupGGA in the NRAS gene leads to an in-frame duplication of a Glutamic Acid at position 37, the first codon in exon 3. This duplication is expected to alter the structure and function of NRAS. The variant is found in NOONAN panel(s).